The following is an entry in ClinVar:

NM_014365.3(HSPB8):c.142T>C (p.Trp48Arg)

Gene: HSPB8 (heat shock protein family B (small) member 8; plus strand). Cytogenetic location: 12q24.23.
Variant type: single nucleotide variant.
Coding change: c.142T>C on transcript NM_014365.3 (MANE Select); coding-DNA position 142, T replaced by C.
Protein change: p.Trp48Arg; replaces tryptophan 48 with arginine.
Molecular consequence: missense variant.
Genome position (GRCh38, 1-based): chr12:119,179,454, T>C. VCF-style: chr12-119179454-T-C. GRCh37 (hg19) VCF-style: chr12-119617259-T-C.
Other names: short protein forms W48R.
Identifiers: ClinVar variation 1368257 (VCV001368257.8), dbSNP rs2136079909, ClinGen allele CA386524501.

ClinVar aggregate classification (germline): Uncertain significance (1 of 4 stars; one submission).

Conditions:
Charcot-Marie-Tooth disease axonal type 2L. Also called: Charcot-Marie-Tooth Neuropathy Type 2L; CHARCOT-MARIE-TOOTH DISEASE, AXONAL, AUTOSOMAL DOMINANT, TYPE 2L; CHARCOT-MARIE-TOOTH NEUROPATHY, AXONAL, TYPE 2L. Identifiers: Orphanet 99945, MedGen C1837552, MONDO:0012096, OMIM 608673.

Submission:

Labcorp Genetics (formerly Invitae), Labcorp
Classification: Uncertain significance for Charcot-Marie-Tooth disease axonal type 2L. Last evaluated: 2021-03-03. Review status: criteria provided, single submitter. Criteria: Invitae Variant Classification Sherloc (09022015). Collection method: clinical testing. Allele origin: germline.
Comment: In summary, the available evidence is currently insufficient to determine the role of this variant in disease. Therefore, it has been classified as a Variant of Uncertain Significance. Algorithms developed to predict the effect of missense changes on protein structure and function (SIFT, PolyPhen-2, Align-GVGD) all suggest that this variant is likely to be disruptive, but these predictions have not been confirmed by published functional studies and their clinical significance is uncertain. This variant has not been reported in the literature in individuals with HSPB8-related conditions. This variant is not present in population databases (ExAC no frequency). This sequence change replaces tryptophan with arginine at codon 48 of the HSPB8 protein (p.Trp48Arg). The tryptophan residue is highly conserved and there is a moderate physicochemical difference between tryptophan and arginine.